The following is an entry in ClinVar:

ClinVar aggregate classification (germline): Uncertain significance (1 of 4 stars; one submission).

Conditions:
Inborn genetic diseases. Identifiers: MedGen C0950123, MeSH D030342.

Submission:

Ambry Genetics
Classification: Uncertain significance for Inborn genetic diseases. Last evaluated: 2025-01-18. Review status: criteria provided, single submitter. Criteria: Ambry Variant Classification Scheme 2023. Collection method: clinical testing. Allele origin: germline.
Comment: The p.D1223E variant (also known as c.3669C>G), located in coding exon 37 of the FANCA gene, results from a C to G substitution at nucleotide position 3669. The aspartic acid at codon 1223 is replaced by glutamic acid, an amino acid with highly similar properties. This amino acid position is conserved. In addition, this alteration is predicted to be tolerated by in silico analysis. Based on the available evidence, the clinical significance of this variant remains unclear.

NM_000135.4(FANCA):c.3669C>G (p.Asp1223Glu)

Gene: FANCA (FA complementation group A; minus strand). Cytogenetic location: 16q24.3.
Variant type: single nucleotide variant.
Coding change: c.3669C>G on transcript NM_000135.4 (MANE Select); coding-DNA position 3669, C replaced by G.
Protein change: p.Asp1223Glu; replaces aspartic acid 1223 with glutamic acid.
Molecular consequence: missense variant.
Genome position (GRCh38, 1-based): chr16:89,742,896, G>C on the plus strand (C>G on the coding strand, the complement: FANCA is on the minus strand). VCF-style: chr16-89742896-G-C. GRCh37 (hg19) VCF-style: chr16-89809304-G-C.
Other names: c.3669C>G, p.Asp1223Glu (NM_001286167.3); short protein forms D1223E.
Identifiers: ClinVar variation 3848125 (VCV003848125.1).